The following is an entry in ClinVar:

ClinVar aggregate classification (germline): Benign. Review status: criteria provided, multiple submitters, no conflicts (2 of 4 stars). 11 submissions from 11 submitters: Benign (8). 3 of the submissions do not count toward it. Last evaluated 2026-02-04.

Conditions:
Retinal dystrophy. Also called: Inherited retinal dystrophy. Identifiers: Orphanet 71862, MedGen C0854723, MeSH D058499, MONDO:0019118, HP:0000556.
Retinitis pigmentosa (RP). Identifiers: Orphanet 791, MedGen C0035334, MeSH D012174, MONDO:0019200, OMIM 268000. Inheritance: Autosomal dominant, autosomal recessive and X linked inheritance.
Retinitis pigmentosa 25 (RP25). Identifiers: Orphanet 791, MedGen C1864446, MONDO:0011272, OMIM 602772.

Allele frequency attached by ClinVar (database versions not stated): 1000 Genomes Project 0.50599; 1000 Genomes Project 30x 0.50781; gnomAD exomes 0.50984 and 0.51950; ExAC 0.51649; gnomAD 0.52361 and 0.52503; TOPMed 0.52385; ESP Exome Variant Server 0.52821.
gnomAD v4.1: 782,056 of 1,529,430 alleles (51%); highest among the groups gnomAD compares: Admixed American, 55%; 201,288 homozygotes.

Submissions (11):

Labcorp Genetics (formerly Invitae), Labcorp
Classification: Benign. Last evaluated: 2026-02-04. Review status: criteria provided, single submitter. Criteria: Invitae Variant Classification Sherloc (09022015). Collection method: clinical testing. Allele origin: germline.

Blueprint Genetics
Classification: Benign. Last evaluated: 2024-11-27. Review status: criteria provided, single submitter. Criteria: ACMG Guidelines, 2015. Collection method: clinical testing. Allele origin: germline.

ARUP Laboratories, Molecular Genetics and Genomics, ARUP Laboratories
Classification: Benign for Retinitis pigmentosa 25. Last evaluated: 2023-11-29. Review status: criteria provided, single submitter. Criteria: ARUP Molecular Germline Variant Investigation Process 2024. Collection method: clinical testing. Allele origin: germline.

Dept Of Ophthalmology, Nagoya University
Classification: Benign for Retinal dystrophy. Last evaluated: 2023-10-01. Review status: criteria provided, single submitter. Criteria: Submitter's publication. Collection method: research. Allele origin: germline. Affected: yes.

Women's Health and Genetics/Laboratory Corporation of America, LabCorp
Classification: Benign. Last evaluated: 2023-04-17. Review status: criteria provided, single submitter. Criteria: LabCorp Variant Classification Summary - May 2015. Collection method: clinical testing. Allele origin: germline.

Genome-Nilou Lab
Classification: Benign for Retinitis pigmentosa 25. Last evaluated: 2021-07-01. Review status: criteria provided, single submitter. Criteria: ACMG Guidelines, 2015. Collection method: clinical testing. Allele origin: germline. Affected: no.

Illumina Laboratory Services, Illumina
Classification: Benign for Retinitis pigmentosa. Last evaluated: 2018-01-13. Review status: criteria provided, single submitter. Criteria: ICSL Variant Classification Criteria 13 December 2019. Collection method: clinical testing. Allele origin: germline.
Comment: This variant was observed in the ICSL laboratory as part of a predisposition screen in an ostensibly healthy population. It had not been previously curated by ICSL or reported in the Human Gene Mutation Database (HGMD: prior to June 1st, 2018), and was therefore a candidate for classification through an automated scoring system. Utilizing variant allele frequency, disease prevalence and penetrance estimates, and inheritance mode, an automated score was calculated to assess if this variant is too frequent to cause the disease. Based on the score and internal cut-off values, a variant classified as benign is not then subjected to further curation. The score for this variant resulted in a classification of benign for this disease.

GeneDx
Classification: Benign. Last evaluated: 2011-07-05. Review status: criteria provided, single submitter. Criteria: GeneDx Variant Classification (06012015). Collection method: clinical testing. Allele origin: germline. Affected: yes.
Comment: This variant is considered likely benign or benign based on one or more of the following criteria: it is a conservative change, it occurs at a poorly conserved position in the protein, it is predicted to be benign by multiple in silico algorithms, and/or has population frequency not consistent with disease.

Natera, Inc.
Classification: Benign for Retinitis pigmentosa. Last evaluated: 2020-09-16. Review status: no assertion criteria provided. Collection method: clinical testing. Allele origin: germline. Not counted in ClinVar's aggregate classification.

Diagnostic Laboratory, Department of Genetics, University Medical Center Groningen
Classification: Benign. Review status: no assertion criteria provided. Collection method: clinical testing. Allele origin: germline. Affected: yes. Study: VKGL Data-share Consensus. Not counted in ClinVar's aggregate classification.

Joint Genome Diagnostic Labs from Nijmegen and Maastricht, Radboudumc and MUMC+
Classification: Benign. Review status: no assertion criteria provided. Collection method: clinical testing. Allele origin: germline. Affected: yes. Study: VKGL Data-share Consensus. Not counted in ClinVar's aggregate classification.

NM_001142800.2(EYS):c.1146T>C (p.Asn382=)

Gene: EYS (EGF-like photoreceptor maintenance factor; minus strand). Cytogenetic location: 6q12.
Variant type: single nucleotide variant.
Coding change: c.1146T>C on transcript NM_001142800.2 (MANE Select); coding-DNA position 1146, T replaced by C.
Protein change: p.Asn382=; no amino-acid change (asparagine 382 retained).
Molecular consequence: synonymous variant.
Genome position (GRCh38, 1-based): chr6:65,402,516, A>G on the plus strand (T>C on the coding strand, the complement: EYS is on the minus strand). VCF-style: chr6-65402516-A-G. GRCh37 (hg19) VCF-style: chr6-66112409-A-G.
Other names: p.N382N:AAT>AAC; c.1146T>C (FM209056.1); c.1146T>C, p.Asn382= (NM_001142801.2, NM_001292009.2, NM_198283.2).
Identifiers: ClinVar variation 137262 (VCV000137262.34), dbSNP rs974110, ClinGen allele CA290793.
Genomic context (GRCh38, chr6:65,402,516, plus strand): 5'-ATAAACAGAAAATTAATTATACCTGCAAGGATAATCTTTCTCACATTTCTTACATGTAGC[A>G]TTATTCCTCAAAGGAAATGACTCACATGATGTTTGAATGCTCTTACAAAGCAAATCTGTA-3'
Protein context (NP_001136272.1, residues 372-392): TSCESFPLRN[Asn382=]ATCKKCEKDY